The following is an entry in ClinVar:

NM_033517.1:c.646G>T

Gene: SHANK3 (SH3 and multiple ankyrin repeat domains 3; plus strand).
Variant type: single nucleotide variant.
Other names: c.646G>T (NM_033517.1).
Identifiers: ClinVar variation 4681047 (VCV004681047.1).

ClinVar aggregate classification (germline): Uncertain significance (1 of 4 stars; one submission).

Submission:

GeneDx
Classification: Uncertain significance. Last evaluated: 2025-06-30. Review status: criteria provided, single submitter. Criteria: GeneDx Variant Classification Process June 2021. Collection method: clinical testing. Allele origin: germline. Affected: yes.
Comment: Not observed at significant frequency in large population cohorts (gnomAD); In silico analysis supports that this missense variant has a deleterious effect on protein structure/function; Has not been previously published as pathogenic or benign to our knowledge